The following is an entry in ClinVar:

ClinVar aggregate classification (germline): Uncertain significance (1 of 4 stars; one submission).

Submission:

Labcorp Genetics (formerly Invitae), Labcorp
Classification: Uncertain significance. Last evaluated: 2026-01-27. Review status: criteria provided, single submitter. Criteria: Invitae Variant Classification Sherloc (09022015). Collection method: clinical testing. Allele origin: germline.
Comment: This sequence change replaces leucine, which is neutral and non-polar, with valine, which is neutral and non-polar, at codon 1212 of the WHSC1 protein (p.Leu1212Val). This variant is not present in population databases (gnomAD no frequency). This variant has not been reported in the literature in individuals affected with WHSC1-related conditions. ClinVar contains an entry for this variant (Variation ID: 1974031). Invitae Evidence Modeling of protein sequence and biophysical properties (such as structural, functional, and spatial information, amino acid conservation, physicochemical variation, residue mobility, and thermodynamic stability) indicates that this missense variant is not expected to disrupt WHSC1 protein function with a negative predictive value of 80%. In summary, the available evidence is currently insufficient to determine the role of this variant in disease. Therefore, it has been classified as a Variant of Uncertain Significance.

NM_001042424.3(NSD2):c.3634C>G (p.Leu1212Val)

Gene: NSD2 (nuclear receptor binding SET domain protein 2; plus strand). Cytogenetic location: 4p16.3.
Variant type: single nucleotide variant.
Coding change: c.3634C>G on transcript NM_001042424.3 (MANE Select); coding-DNA position 3634, C replaced by G.
Protein change: p.Leu1212Val; replaces leucine 1212 with valine.
Molecular consequence: missense variant.
Genome position (GRCh38, 1-based): chr4:1,976,487, C>G. VCF-style: chr4-1976487-C-G. GRCh37 (hg19) VCF-style: chr4-1978214-C-G.
Other names: c.3634C>G, p.Leu1212Val (NM_133330.3, NM_133331.3, NM_133335.4); short protein forms L1212V.
Identifiers: ClinVar variation 1974031 (VCV001974031.5), dbSNP rs945268423, ClinGen allele CA91298009.